The following is an entry in ClinVar:

NM_000701.8(ATP1A1):c.2285T>C (p.Val762Ala)

Genes: ATP1A1 (ATPase Na+/K+ transporting subunit alpha 1; plus strand), ATP1A1-AS1 (ATP1A1 antisense RNA 1; minus strand). Cytogenetic location: 1p13.1.
Variant type: single nucleotide variant.
Coding change: c.2285T>C on transcript NM_000701.8 (MANE Select); coding-DNA position 2285, T replaced by C.
Protein change: p.Val762Ala; replaces valine 762 with alanine.
Molecular consequence: missense variant.
Genome position (GRCh38, 1-based): chr1:116,398,781, T>C. VCF-style: chr1-116398781-T-C. GRCh37 (hg19) VCF-style: chr1-116941403-T-C.
Other names: c.2285T>C, p.Val762Ala (NM_001160233.2); c.2192T>C, p.Val731Ala (NM_001160234.2); short protein forms V731A, V762A.
Identifiers: ClinVar variation 3573903 (VCV003573903.1).

ClinVar aggregate classification (germline): Uncertain significance (1 of 4 stars; one submission).

Submission:

GeneDx
Classification: Uncertain significance. Last evaluated: 2024-07-18. Review status: criteria provided, single submitter. Criteria: GeneDx Variant Classification Process June 2021. Collection method: clinical testing. Allele origin: germline. Affected: yes.
Comment: Not observed at significant frequency in large population cohorts (gnomAD); In silico analysis supports that this missense variant has a deleterious effect on protein structure/function; Has not been previously published as pathogenic or benign to our knowledge